The following is an entry in ClinVar:

NM_031935.3(HMCN1):c.12988G>A (p.Ala4330Thr)

Gene: HMCN1 (hemicentin 1; plus strand). Cytogenetic location: 1q31.1.
Variant type: single nucleotide variant.
Coding change: c.12988G>A on transcript NM_031935.3 (MANE Select); coding-DNA position 12988, G replaced by A.
Protein change: p.Ala4330Thr; replaces alanine 4330 with threonine.
Molecular consequence: missense variant.
Genome position (GRCh38, 1-based): chr1:186,130,049, G>A. VCF-style: chr1-186130049-G-A. GRCh37 (hg19) VCF-style: chr1-186099181-G-A.
Other names: short protein forms A4330T.
Identifiers: ClinVar variation 2420910 (VCV002420910.6), dbSNP rs201836712, ClinGen allele CA1294517.

ClinVar aggregate classification (germline): Uncertain significance (1 of 4 stars; one submission).

Allele frequency attached by ClinVar (database versions not stated): ExAC 0.00005; TOPMed 0.00006.
gnomAD v4.1: 209 of 1,613,126 alleles (0.013%); highest among the groups gnomAD compares: Non-Finnish European, 0.017%; no homozygotes.

Submission:

Labcorp Genetics (formerly Invitae), Labcorp
Classification: Uncertain significance. Last evaluated: 2025-11-24. Review status: criteria provided, single submitter. Criteria: Invitae Variant Classification Sherloc (09022015). Collection method: clinical testing. Allele origin: germline.
Comment: This sequence change replaces alanine, which is neutral and non-polar, with threonine, which is neutral and polar, at codon 4330 of the HMCN1 protein (p.Ala4330Thr). This variant is present in population databases (rs201836712, gnomAD 0.009%). This variant has not been reported in the literature in individuals affected with HMCN1-related conditions. ClinVar contains an entry for this variant (Variation ID: 2420910). An algorithm developed to predict the effect of missense changes on protein structure and function (PolyPhen-2) suggests that this variant is likely to be disruptive. In summary, the available evidence is currently insufficient to determine the role of this variant in disease. Therefore, it has been classified as a Variant of Uncertain Significance.